The following is an entry in ClinVar:

NM_015443.4(KANSL1):c.1483T>G (p.Phe495Val)

Gene: KANSL1 (KAT8 regulatory NSL complex subunit 1). Cytogenetic location: 17q21.31.
Variant type: single nucleotide variant.
Coding change: c.1483T>G on transcript NM_015443.4 (MANE Select); coding-DNA position 1483, T replaced by G.
Protein change: p.Phe495Val; replaces phenylalanine 495 with valine.
Molecular consequence: missense variant. On other transcripts: intron variant (4).
Genome position (GRCh38, 1-based): chr17:46,082,491, A>C on the plus strand (T>G on the coding strand, the complement: KANSL1 is on the minus strand). VCF-style: chr17-46082491-A-C. GRCh37 (hg19) VCF-style: chr17-44159857-A-C.
Other names: c.1483T>G, p.Phe495Val (NM_001193465.2, NM_001193466.2, NM_001379198.1 and 14 more transcripts); c.217T>G, p.Phe73Val (NM_001405882.1, NM_001405883.1, NM_001405884.1 and 1 more transcripts); c.1431+12069T>G (NM_001405881.1, NM_001405861.1, NM_001405859.1 and 1 more transcripts); short protein forms F495V, F73V.
Identifiers: ClinVar variation 3619444 (VCV003619444.2).

ClinVar aggregate classification (germline): Uncertain significance (1 of 4 stars; one submission).

Conditions:
Koolen-de Vries syndrome (KDVS). Identifiers: Orphanet 96169, MedGen C1864871, MONDO:0012496, OMIM 610443.

Submission:

Labcorp Genetics (formerly Invitae), Labcorp
Classification: Uncertain significance for Koolen-de Vries syndrome. Last evaluated: 2024-03-20. Review status: criteria provided, single submitter. Criteria: Invitae Variant Classification Sherloc (09022015). Collection method: clinical testing. Allele origin: germline.
Comment: This sequence change replaces phenylalanine, which is neutral and non-polar, with valine, which is neutral and non-polar, at codon 495 of the KANSL1 protein (p.Phe495Val). This variant is not present in population databases (gnomAD no frequency). This variant has not been reported in the literature in individuals affected with KANSL1-related conditions. Advanced modeling of protein sequence and biophysical properties (such as structural, functional, and spatial information, amino acid conservation, physicochemical variation, residue mobility, and thermodynamic stability) performed at Invitae indicates that this missense variant is not expected to disrupt KANSL1 protein function with a negative predictive value of 80%. In summary, the available evidence is currently insufficient to determine the role of this variant in disease. Therefore, it has been classified as a Variant of Uncertain Significance.